The following is an entry in ClinVar:

ClinVar aggregate classification (germline): Uncertain significance (1 of 4 stars; one submission).

Allele frequency attached by ClinVar (database versions not stated): gnomAD exomes below 0.00001.
gnomAD v4.1: 2 of 1,614,196 alleles (0.00012%); highest among the groups gnomAD compares: Non-Finnish European, 0.00017%; no homozygotes.

Submission:

Labcorp Genetics (formerly Invitae), Labcorp
Classification: Uncertain significance. Last evaluated: 2022-12-31. Review status: criteria provided, single submitter. Criteria: Invitae Variant Classification Sherloc (09022015). Collection method: clinical testing. Allele origin: germline.
Comment: This sequence change replaces glutamine, which is neutral and polar, with histidine, which is basic and polar, at codon 691 of the DUOX2 protein (p.Gln691His). In summary, the available evidence is currently insufficient to determine the role of this variant in disease. Therefore, it has been classified as a Variant of Uncertain Significance. Advanced modeling of protein sequence and biophysical properties (such as structural, functional, and spatial information, amino acid conservation, physicochemical variation, residue mobility, and thermodynamic stability) performed at Invitae indicates that this missense variant is not expected to disrupt DUOX2 protein function. This variant has not been reported in the literature in individuals affected with DUOX2-related conditions. This variant is not present in population databases (gnomAD no frequency).

NM_001363711.2(DUOX2):c.2073G>T (p.Gln691His)

Gene: DUOX2 (dual oxidase 2; minus strand). Cytogenetic location: 15q21.1.
Variant type: single nucleotide variant.
Coding change: c.2073G>T on transcript NM_001363711.2 (MANE Select); coding-DNA position 2073, G replaced by T.
Protein change: p.Gln691His; replaces glutamine 691 with histidine.
Molecular consequence: missense variant.
Genome position (GRCh38, 1-based): chr15:45,106,200, C>A on the plus strand (G>T on the coding strand, the complement: DUOX2 is on the minus strand). VCF-style: chr15-45106200-C-A. GRCh37 (hg19) VCF-style: chr15-45398398-C-A.
Other names: c.2073G>T, p.Gln691His (NM_014080.5); short protein forms Q691H.
Identifiers: ClinVar variation 2781882 (VCV002781882.3), dbSNP rs2504766341, ClinGen allele CA392272952.